The following is an entry in ClinVar:

ClinVar aggregate classification (germline): Conflicting classifications of pathogenicity. Review status: criteria provided, conflicting classifications (1 of 4 stars). 3 submissions from 3 submitters: Likely pathogenic (2); Uncertain significance (1). Last evaluated 2019-01-07.

Conditions:
Congenital myopathy with fiber type disproportion. Also called: Congenital fiber-type disproportion myopathy; Congenital fiber-type disproportion. Identifiers: Orphanet 2020, MedGen C0546264, MONDO:0009711. Inheritance: all.
Congenital myopathy 4B, autosomal recessive. Also called: Nemaline myopathy 1, autosomal dominant or recessive. Identifiers: Orphanet 171433, Orphanet 171439, Orphanet 171881, MedGen C5829889, MONDO:0012239, OMIM 609284.

Submissions (3):

Labcorp Genetics (formerly Invitae), Labcorp
Classification: Likely pathogenic for Congenital myopathy with fiber type disproportion; Nemaline myopathy 1. Last evaluated: 2019-01-07. Review status: criteria provided, single submitter. Criteria: Invitae Variant Classification Sherloc (09022015). Collection method: clinical testing. Allele origin: germline.
Comment: This sequence change replaces aspartic acid with histidine at codon 15 of the TPM3 protein (p.Asp15His). The aspartic acid residue is highly conserved and there is a moderate physicochemical difference between aspartic acid and histidine. This variant is not present in population databases (ExAC no frequency). ClinVar contains an entry for this variant (Variation ID: 437430). Algorithms developed to predict the effect of missense changes on protein structure and function (SIFT, PolyPhen-2, Align-GVGD) all suggest that this variant is likely to be disruptive, but these predictions have not been confirmed by published functional studies and their clinical significance is uncertain. In summary, the currently available evidence indicates that the variant is pathogenic, but additional data are needed to prove that conclusively. Therefore, this variant has been classified as Likely Pathogenic.

Eurofins Ntd Llc (ga)
Classification: Uncertain significance. Last evaluated: 2018-07-17. Review status: criteria provided, single submitter. Criteria: EGL ClinVar v180209 classification definitions. Collection method: clinical testing. Allele origin: germline. Observed: 1 variant allele, 1 heterozygote.

Center of Genomic medicine, Geneva, University Hospital of Geneva
Classification: Likely pathogenic for Congenital myopathy 4A, autosomal dominant. Last evaluated: 2016-09-26. Review status: criteria provided, single submitter. Criteria: ACMG Guidelines, 2015. Collection method: clinical testing. Allele origin: de novo. Affected: yes.

NM_152263.4(TPM3):c.43G>C (p.Asp15His)

Gene: TPM3 (tropomyosin 3; minus strand). Cytogenetic location: 1q21.3.
Variant type: single nucleotide variant.
Coding change: c.43G>C on transcript NM_152263.4 (MANE Select); coding-DNA position 43, G replaced by C.
Protein change: p.Asp15His; replaces aspartic acid 15 with histidine.
Molecular consequence: missense variant. On other transcripts: non-coding transcript variant (1).
Genome position (GRCh38, 1-based): chr1:154,191,976, C>G on the plus strand (G>C on the coding strand, the complement: TPM3 is on the minus strand). VCF-style: chr1-154191976-C-G. GRCh37 (hg19) VCF-style: chr1-154164452-C-G.
Other names: c.43G>C, p.Asp15His (NM_001364679.2, NM_001364680.2, NM_001364681.2 and 1 more transcripts); short protein forms D15H.
Identifiers: ClinVar variation 437430 (VCV000437430.7), dbSNP rs1553251644, ClinGen allele CA342587512.
Genomic context (GRCh38, chr1:154,191,976, plus strand): 5'-CTTCTGCCTGCTTCTGCTCAGCTTCAGCTTGCTCTGCCCGATCCAGAGCATTCTCCTTGT[C>G]TAACTTCAGCATCTGCATCTTTTTCTTGATGGCCTCCATCATGAGCAGTGGCTGTTGGTA-3'
Protein context (NP_689476.2, residues 5-25): IKKKMQMLKL[Asp15His]KENALDRAEQ